The following is an entry in ClinVar:

NM_015459.5(ATL3):c.1324C>T (p.Arg442Ter)

Genes: ATL3 (atlastin GTPase 3; minus strand), LNCROPM (lncRNA regulator of PLAAT3 mediated phospholipid metabolism; plus strand). Cytogenetic location: 11q13.1.
Variant type: single nucleotide variant.
Coding change: c.1324C>T on transcript NM_015459.5 (MANE Select); coding-DNA position 1324, C replaced by T.
Protein change: p.Arg442Ter; replaces arginine 442 with a stop codon.
Molecular consequence: nonsense.
Genome position (GRCh38, 1-based): chr11:63,631,255, G>A on the plus strand (C>T on the coding strand, the complement: ATL3 is on the minus strand). VCF-style: chr11-63631255-G-A. GRCh37 (hg19) VCF-style: chr11-63398727-G-A.
Other names: c.1270C>T, p.Arg424Ter (NM_001290048.2); short protein forms R424*, R442*.
Identifiers: ClinVar variation 1769970 (VCV001769970.5), dbSNP rs767929561, ClinGen allele CA6063542.

ClinVar aggregate classification (germline): Conflicting classifications of pathogenicity. Review status: criteria provided, conflicting classifications (1 of 4 stars). 2 submissions from 2 submitters: Uncertain significance (1); Likely benign (1). Last evaluated 2023-11-24.

Conditions:
Neuropathy, hereditary sensory, type 1F. Also called: HSN IF; Hereditary sensory neuropathy type IF. Identifiers: Orphanet 36386, MedGen C3810194, MONDO:0014286, OMIM 615632.
Inborn genetic diseases. Identifiers: MedGen C0950123, MeSH D030342.

Allele frequency attached by ClinVar (database versions not stated): ExAC 0.00002.
gnomAD v4.1: 49 of 1,614,202 alleles (0.003%); highest among the groups gnomAD compares: Middle Eastern, 0.033%; no homozygotes.

Submissions (2):

Labcorp Genetics (formerly Invitae), Labcorp
Classification: Uncertain significance for Neuropathy, hereditary sensory, type 1F. Last evaluated: 2023-11-24. Review status: criteria provided, single submitter. Criteria: Invitae Variant Classification Sherloc (09022015). Collection method: clinical testing. Allele origin: germline.
Comment: This sequence change creates a premature translational stop signal (p.Arg442*) in the ATL3 gene. It is expected to result in an absent or disrupted protein product. However, the current clinical and genetic evidence is not sufficient to establish whether loss-of-function variants in ATL3 cause disease. This variant is present in population databases (rs767929561, gnomAD 0.02%). This variant has not been reported in the literature in individuals affected with ATL3-related conditions. ClinVar contains an entry for this variant (Variation ID: 1769970). In summary, the available evidence is currently insufficient to determine the role of this variant in disease. Therefore, it has been classified as a Variant of Uncertain Significance.

Ambry Genetics
Classification: Likely benign for Inborn genetic diseases. Last evaluated: 2021-12-21. Review status: criteria provided, single submitter. Criteria: Ambry Variant Classification Scheme 2023. Collection method: clinical testing. Allele origin: germline.